The following is an entry in ClinVar:

ClinVar aggregate classification (germline): Likely benign. Review status: criteria provided, multiple submitters, no conflicts (2 of 4 stars). 3 submissions from 3 submitters: Likely benign (3). Last evaluated 2025-07-31.

Conditions:
Mitochondrial complex II deficiency, nuclear type 1. Also called: SUCCINATE CoQ REDUCTASE DEFICIENCY. Identifiers: Orphanet 3208, MedGen C5700310, MONDO:0100294, OMIM 252011.
Pheochromocytoma/paraganglioma syndrome 5. Also called: Paragangliomas 5; SDHA-Related Hereditary Paraganglioma-Pheochromocytoma Syndrome. Identifiers: Orphanet 29072, MedGen C3279992, MONDO:0013602, OMIM 614165.

Allele frequency attached by ClinVar (database versions not stated): gnomAD exomes below 0.00001; TOPMed below 0.00001.
gnomAD v4.1: 3 of 1,614,056 alleles (0.00019%); highest among the groups gnomAD compares: Non-Finnish European, 0.00017%; no homozygotes.

Submissions (3):

Labcorp Genetics (formerly Invitae), Labcorp
Classification: Likely benign for Pheochromocytoma/paraganglioma syndrome 5; Mitochondrial complex II deficiency, nuclear type 1. Last evaluated: 2025-07-31. Review status: criteria provided, single submitter. Criteria: Invitae Variant Classification Sherloc (09022015). Collection method: clinical testing. Allele origin: germline.

Myriad Genetics, Inc.
Classification: Likely benign for Pheochromocytoma/paraganglioma syndrome 5. Last evaluated: 2025-03-10. Review status: criteria provided, single submitter. Criteria: Myriad Autosomal Dominant, Autosomal Recessive and X-Linked Classification Criteria (2023). Collection method: clinical testing. Allele origin: unknown.
Comment: This variant is considered likely benign. This variant is intronic and is not expected to impact mRNA splicing.

Blueprint Genetics
Classification: Likely benign. Last evaluated: 2024-10-25. Review status: criteria provided, single submitter. Criteria: ACMG Guidelines, 2015. Collection method: clinical testing. Allele origin: germline.

NM_004168.4(SDHA):c.1260+8T>A

Gene: SDHA (succinate dehydrogenase complex flavoprotein subunit A; plus strand). Cytogenetic location: 5p15.33.
Variant type: single nucleotide variant.
Coding change: c.1260+8T>A on transcript NM_004168.4 (MANE Select); 8 bases into the intron after coding-DNA position 1260, T replaced by A.
Molecular consequence: intron variant.
Genome position (GRCh38, 1-based): chr5:235,347, T>A. VCF-style: chr5-235347-T-A. GRCh37 (hg19) VCF-style: chr5-235462-T-A.
Other names: c.1260+8T>A (NM_001330758.2); c.1116+8T>A (NM_001294332.2).
Identifiers: ClinVar variation 539701 (VCV000539701.14), dbSNP rs1325588204, ClinGen allele CA557397594.
Genomic context (GRCh38, chr5:235,347, plus strand): 5'-TCCCCACCGTGCATTATAACATGGGCGGCATTCCCACCAACTACAAGGGGCAGGTGATGG[T>A]GCTGGCTCCTCCCCCACAGCTGGAAAGAAGGCTGGGACGACGGGGCCCACCTCGCAGTTG-3'